The following is an entry in ClinVar:

ClinVar aggregate classification (germline): Uncertain significance (1 of 4 stars; one submission).

Conditions:
Retinitis pigmentosa 11 (RP11). Identifiers: Orphanet 791, MedGen C1838601, MONDO:0010828, OMIM 600138.

gnomAD v4.1: 2 of 1,570,792 alleles (0.00013%); highest among the groups gnomAD compares: Non-Finnish European, 0.00017%; no homozygotes.

Submission:

Juno Genomics, Hangzhou Juno Genomics, Inc
Classification: Uncertain significance for Retinitis pigmentosa 11. Review status: criteria provided, single submitter. Criteria: ACMG Guidelines, 2015. Collection method: clinical testing. Allele origin: germline. Affected: yes.
Comment: Absent from controls (or at extremely low frequency if recessive) in Genome Aggregation Database, Exome Sequencing Project, 1000 Genomes Project, or Exome Aggregation Consortium.;Multiple lines of computational evidence support a deleterious effect on the gene or gene product (conservation, evolutionary, splicing impact, etc).;Patient's phenotype or family history is highly specific for a disease with a single genetic etiology.

NM_015629.4(PRPF31):c.1066G>A (p.Gly356Ser)

Gene: PRPF31 (pre-mRNA processing factor 31; plus strand). Cytogenetic location: 19q13.42.
Variant type: single nucleotide variant.
Coding change: c.1066G>A on transcript NM_015629.4 (MANE Select); coding-DNA position 1066, G replaced by A.
Protein change: p.Gly356Ser; replaces glycine 356 with serine.
Molecular consequence: missense variant.
Genome position (GRCh38, 1-based): chr19:54,128,193, G>A. VCF-style: chr19-54128193-G-A. GRCh37 (hg19) VCF-style: chr19-54631568-G-A.
Other names: short protein forms G356S.
Identifiers: ClinVar variation 3383001 (VCV003383001.2).